The following is an entry in ClinVar:

ClinVar aggregate classification (germline): Uncertain significance (1 of 4 stars; one submission).

Submission:

GeneDx
Classification: Uncertain significance. Last evaluated: 2020-02-17. Review status: criteria provided, single submitter. Criteria: GeneDx Variant Classification Process June 2021. Collection method: clinical testing. Allele origin: germline. Affected: yes.
Comment: Not observed in large population cohorts (Lek et al., 2016); In silico analysis supports that this missense variant has a deleterious effect on protein structure/function; Has not been previously published as pathogenic or benign to our knowledge

NM_021098.3(CACNA1H):c.2371G>T (p.Asp791Tyr)

Gene: CACNA1H (calcium voltage-gated channel subunit alpha1 H; plus strand). Cytogenetic location: 16p13.3.
Variant type: single nucleotide variant.
Coding change: c.2371G>T on transcript NM_021098.3 (MANE Select); coding-DNA position 2371, G replaced by T.
Protein change: p.Asp791Tyr; replaces aspartic acid 791 with tyrosine.
Molecular consequence: missense variant.
Genome position (GRCh38, 1-based): chr16:1,204,378, G>T. VCF-style: chr16-1204378-G-T. GRCh37 (hg19) VCF-style: chr16-1254378-G-T.
Other names: c.2371G>T, p.Asp791Tyr (NM_001005407.2); short protein forms D791Y.
Identifiers: ClinVar variation 1316686 (VCV001316686.2), dbSNP rs2141281388, ClinGen allele CA394166393.